The following is an entry in ClinVar:

NM_000531.6(OTC):c.396T>C (p.Ser132=)

Gene: OTC (ornithine transcarbamylase; plus strand). Cytogenetic location: Xp11.4.
Variant type: single nucleotide variant.
Coding change: c.396T>C on transcript NM_000531.6 (MANE Select); coding-DNA position 396, T replaced by C.
Protein change: p.Ser132=; no amino-acid change (serine 132 retained).
Molecular consequence: synonymous variant.
Genome position (GRCh38, 1-based): chrX:38,401,284, T>C. VCF-style: chrX-38401284-T-C. GRCh37 (hg19) VCF-style: chrX-38260537-T-C.
Identifiers: ClinVar variation 792376 (VCV000792376.31), dbSNP rs1602029553, ClinGen allele CA515650409.

ClinVar aggregate classification (germline): Likely benign. Review status: criteria provided, multiple submitters, no conflicts (2 of 4 stars). 2 submissions from 2 submitters: Likely benign (2). Last evaluated 2023-04-01.

Conditions:
Ornithine carbamoyltransferase deficiency (OTCD). Also called: OTC DEFICIENCY; Ornithine Carbamoyltransferase Deficiency Disease; ORNITHINE TRANSCARBAMYLASE DEFICIENCY; ORNITHINE TRANSCARBAMYLASE DEFICIENCY, HYPERAMMONEMIA DUE TO. Identifiers: Orphanet 664, MedGen C0268542, MONDO:0010703, OMIM 311250.

Submissions (2):

CeGaT Center for Human Genetics Tuebingen
Classification: Likely benign. Last evaluated: 2023-04-01. Review status: criteria provided, single submitter. Criteria: CeGaT Center For Human Genetics Tuebingen Variant Classification Criteria Version 2. Collection method: clinical testing. Allele origin: germline. Affected: yes. Observed: 1 variant allele.
Comment: OTC: PM2:Supporting, BP4, BP7

Labcorp Genetics (formerly Invitae), Labcorp
Classification: Likely benign for Ornithine carbamoyltransferase deficiency. Last evaluated: 2022-11-18. Review status: criteria provided, single submitter. Criteria: Invitae Variant Classification Sherloc (09022015). Collection method: clinical testing. Allele origin: germline.